The following is an entry in ClinVar:

NM_022114.4(PRDM16):c.416C>A (p.Pro139His)

Gene: PRDM16 (PR/SET domain 16; plus strand). Cytogenetic location: 1p36.32.
Variant type: single nucleotide variant.
Coding change: c.416C>A on transcript NM_022114.4 (MANE Select); coding-DNA position 416, C replaced by A.
Protein change: p.Pro139His; replaces proline 139 with histidine.
Molecular consequence: missense variant.
Genome position (GRCh38, 1-based): chr1:3,244,115, C>A. VCF-style: chr1-3244115-C-A. GRCh37 (hg19) VCF-style: chr1-3160679-C-A.
Other names: c.416C>A, p.Pro139His (NM_199454.3); short protein forms P139H.
Identifiers: ClinVar variation 3021651 (VCV003021651.3), dbSNP rs753221183, ClinGen allele CA17302426.

ClinVar aggregate classification (germline): Uncertain significance (1 of 4 stars; one submission).

Conditions:
Left ventricular noncompaction 8 (LVNC8). Identifiers: Orphanet 154, Orphanet 54260, MedGen C3809288, MONDO:0014152, OMIM 615373.

gnomAD v4.1: 5 of 1,613,918 alleles (0.00031%); highest among the groups gnomAD compares: Non-Finnish European, 0.00042%; no homozygotes.

Submission:

Labcorp Genetics (formerly Invitae), Labcorp
Classification: Uncertain significance for Left ventricular noncompaction 8. Last evaluated: 2025-05-13. Review status: criteria provided, single submitter. Criteria: Invitae Variant Classification Sherloc (09022015). Collection method: clinical testing. Allele origin: germline.
Comment: This sequence change replaces proline, which is neutral and non-polar, with histidine, which is basic and polar, at codon 139 of the PRDM16 protein (p.Pro139His). This variant is not present in population databases (gnomAD no frequency). This variant has not been reported in the literature in individuals affected with PRDM16-related conditions. ClinVar contains an entry for this variant (Variation ID: 3021651). An algorithm developed to predict the effect of missense changes on protein structure and function (PolyPhen-2) suggests that this variant is likely to be tolerated. In summary, the available evidence is currently insufficient to determine the role of this variant in disease. Therefore, it has been classified as a Variant of Uncertain Significance.